The following is an entry in ClinVar:

NM_014141.6(CNTNAP2):c.3179C>T (p.Ala1060Val)

Gene: CNTNAP2 (contactin associated protein 2; plus strand). Cytogenetic location: 7q36.1.
Variant type: single nucleotide variant.
Coding change: c.3179C>T on transcript NM_014141.6 (MANE Select); coding-DNA position 3179, C replaced by T.
Protein change: p.Ala1060Val; replaces alanine 1060 with valine.
Molecular consequence: missense variant.
Genome position (GRCh38, 1-based): chr7:148,217,456, C>T. VCF-style: chr7-148217456-C-T. GRCh37 (hg19) VCF-style: chr7-147914548-C-T.
Other names: p.A1060V:GCG>GTG; short protein forms A1060V.
Identifiers: ClinVar variation 205282 (VCV000205282.17), dbSNP rs369254596, ClinGen allele CA314198.

ClinVar aggregate classification (germline): Uncertain significance. Review status: criteria provided, multiple submitters, no conflicts (2 of 4 stars). 7 submissions from 7 submitters: Uncertain significance (6). 1 of the submissions does not count toward it. Last evaluated 2025-05-30.

Conditions:
Inborn genetic diseases. Identifiers: MedGen C0950123, MeSH D030342.
Autism, susceptibility to, 15. Also called: Autism susceptibility 15. Identifiers: MedGen C2677504, MONDO:0012801, OMIM 612100.
Cortical dysplasia-focal epilepsy syndrome (PTHSL1). Also called: Pitt-Hopkins-like syndrome 1. Identifiers: Orphanet 163681, Orphanet 221150, MedGen C2750246, MONDO:0012400, OMIM 610042.
CNTNAP2-related disorder. Also called: CNTNAP2-related condition.

Allele frequency attached by ClinVar (database versions not stated): ExAC 0.00001; gnomAD exomes 0.00002; gnomAD 0.00006 and 0.00007; ESP Exome Variant Server 0.00008; TOPMed 0.00010; 1000 Genomes Project 30x 0.00016; 1000 Genomes Project 0.00020.
gnomAD v4.1: 150 of 1,614,166 alleles (0.0093%); highest among the groups gnomAD compares: Non-Finnish European, 0.012%; no homozygotes.

Submissions (7):

Ambry Genetics
Classification: Uncertain significance for Inborn genetic diseases. Last evaluated: 2025-05-30. Review status: criteria provided, single submitter. Criteria: Ambry Variant Classification Scheme 2023. Collection method: clinical testing. Allele origin: germline.

Labcorp Genetics (formerly Invitae), Labcorp
Classification: Uncertain significance for Cortical dysplasia-focal epilepsy syndrome. Last evaluated: 2022-10-31. Review status: criteria provided, single submitter. Criteria: Invitae Variant Classification Sherloc (09022015). Collection method: clinical testing. Allele origin: germline.
Comment: This sequence change replaces alanine, which is neutral and non-polar, with valine, which is neutral and non-polar, at codon 1060 of the CNTNAP2 protein (p.Ala1060Val). This variant is present in population databases (rs369254596, gnomAD 0.006%). This missense change has been observed in individual(s) with persistent developmental stuttering (PMID: 24807205). ClinVar contains an entry for this variant (Variation ID: 205282). Algorithms developed to predict the effect of missense changes on protein structure and function output the following: SIFT: "Deleterious"; PolyPhen-2: "Benign"; Align-GVGD: "Class C0". The valine amino acid residue is found in multiple mammalian species, which suggests that this missense change does not adversely affect protein function. In summary, the available evidence is currently insufficient to determine the role of this variant in disease. Therefore, it has been classified as a Variant of Uncertain Significance.

GeneDx
Classification: Uncertain significance. Last evaluated: 2021-08-06. Review status: criteria provided, single submitter. Criteria: GeneDx Variant Classification Process June 2021. Collection method: clinical testing. Allele origin: germline. Affected: yes.
Comment: Identified in an individual with persistent developmental stuttering; however, additional information regarding the phenotype of the individual and information about parental testing were not provided and the authors concluded that CNTNAP2 variants were not associated with stuttering (Han et al., 2014); Not observed at significant frequency in large population cohorts (Lek et al., 2016); In silico analysis supports that this missense variant does not alter protein structure/function; This variant is associated with the following publications: (PMID: 24807205, 19896112)

Fulgent Genetics
Classification: Uncertain significance for Cortical dysplasia-focal epilepsy syndrome; Autism, susceptibility to, 15. Last evaluated: 2018-10-31. Review status: criteria provided, single submitter. Criteria: ACMG Guidelines, 2015. Collection method: clinical testing. Allele origin: unknown.

Athena Diagnostics
Classification: Uncertain significance. Last evaluated: 2017-03-29. Review status: criteria provided, single submitter. Criteria: Athena Diagnostics Criteria. Collection method: clinical testing. Allele origin: germline.

Breakthrough Genomics
Classification: Uncertain significance. Review status: criteria provided, single submitter. Criteria: ACMG Guidelines, 2015. Collection method: not provided. Allele origin: germline. Inheritance: Autosomal recessive inheritance. Affected: yes.

PreventionGenetics, part of Exact Sciences
Classification: Uncertain significance for CNTNAP2-related condition. Last evaluated: 2023-12-07. Review status: no assertion criteria provided. Collection method: clinical testing. Allele origin: germline. Not counted in ClinVar's aggregate classification.
Comment: The CNTNAP2 c.3179C>T variant is predicted to result in the amino acid substitution p.Ala1060Val. This variant has been reported in an individual with persistent developmental stuttering ( Han TU et al 2014. PubMed ID: 24807205). This variant is reported in 0.0056% of alleles in individuals of Latino descent in gnomAD. At this time, the clinical significance of this variant is uncertain due to the absence of conclusive functional and genetic evidence.

Literature cited by the submitters: PubMed 24807205 (cited by Labcorp Genetics (formerly Invitae), Labcorp and Athena Diagnostics).